The following is an entry in ClinVar:

ClinVar aggregate classification (germline): Uncertain significance (1 of 4 stars; one submission).

Allele frequency attached by ClinVar (database versions not stated): TOPMed below 0.00001.

Submission:

Labcorp Genetics (formerly Invitae), Labcorp
Classification: Uncertain significance. Last evaluated: 2022-09-10. Review status: criteria provided, single submitter. Criteria: Invitae Variant Classification Sherloc (09022015). Collection method: clinical testing. Allele origin: germline.
Comment: This sequence change replaces threonine, which is neutral and polar, with serine, which is neutral and polar, at codon 512 of the TOPORS protein (p.Thr512Ser). In summary, the available evidence is currently insufficient to determine the role of this variant in disease. Therefore, it has been classified as a Variant of Uncertain Significance. Algorithms developed to predict the effect of missense changes on protein structure and function output the following: SIFT: "Tolerated"; PolyPhen-2: "Benign"; Align-GVGD: "Class C0". The serine amino acid residue is found in multiple mammalian species, which suggests that this missense change does not adversely affect protein function. This variant has not been reported in the literature in individuals affected with TOPORS-related conditions. This variant is present in population databases (no rsID available, gnomAD 0.0009%).

NM_005802.5(TOPORS):c.1534A>T (p.Thr512Ser)

Gene: TOPORS (TOP1 binding arginine/serine rich protein, E3 ubiquitin ligase; minus strand). Cytogenetic location: 9p21.1.
Variant type: single nucleotide variant.
Coding change: c.1534A>T on transcript NM_005802.5 (MANE Select); coding-DNA position 1534, A replaced by T.
Protein change: p.Thr512Ser; replaces threonine 512 with serine.
Molecular consequence: missense variant.
Genome position (GRCh38, 1-based): chr9:32,542,991, T>A on the plus strand (A>T on the coding strand, the complement: TOPORS is on the minus strand). VCF-style: chr9-32542991-T-A. GRCh37 (hg19) VCF-style: chr9-32542989-T-A.
Other names: c.1339A>T, p.Thr447Ser (NM_001195622.2); short protein forms T512S, T447S.
Identifiers: ClinVar variation 1928379 (VCV001928379.5), dbSNP rs943225937, ClinGen allele CA192359017.